The following is an entry in ClinVar:

NM_020806.5(GPHN):c.796A>T (p.Ile266Phe)

Gene: GPHN (gephyrin; plus strand). Cytogenetic location: 14q23.3.
Variant type: single nucleotide variant.
Coding change: c.796A>T on transcript NM_020806.5 (MANE Select); coding-DNA position 796, A replaced by T.
Protein change: p.Ile266Phe; replaces isoleucine 266 with phenylalanine.
Molecular consequence: missense variant. On other transcripts: intron variant (7).
Genome position (GRCh38, 1-based): chr14:66,924,260, A>T. VCF-style: chr14-66924260-A-T. GRCh37 (hg19) VCF-style: chr14-67390977-A-T.
Other names: c.768+1322A>T (NM_001377514.1, NM_001377519.1); c.729+1322A>T (NM_001377515.1, NM_001377516.1, NM_001377518.1 and 2 more transcripts); short protein forms I266F.
Identifiers: ClinVar variation 1423853 (VCV001423853.8), dbSNP rs199511542, ClinGen allele CA390256739.

ClinVar aggregate classification (germline): Uncertain significance (1 of 4 stars; one submission).

Conditions:
Sulfite oxidase deficiency due to molybdenum cofactor deficiency type C. Also called: Molybdenum cofactor deficiency, complementation group C; Molybdenum cofactor deficiency C. Identifiers: Orphanet 308400, Orphanet 833, MedGen C1854990, MONDO:0014212, OMIM 615501.

gnomAD v4.1: 1 of 1,609,314 alleles (0.000062%); no homozygotes.

Submission:

Labcorp Genetics (formerly Invitae), Labcorp
Classification: Uncertain significance for Sulfite oxidase deficiency due to molybdenum cofactor deficiency type C. Last evaluated: 2021-04-22. Review status: criteria provided, single submitter. Criteria: Invitae Variant Classification Sherloc (09022015). Collection method: clinical testing. Allele origin: germline.
Comment: In summary, the available evidence is currently insufficient to determine the role of this variant in disease. Therefore, it has been classified as a Variant of Uncertain Significance. Algorithms developed to predict the effect of missense changes on protein structure and function (SIFT, PolyPhen-2, Align-GVGD) all suggest that this variant is likely to be tolerated, but these predictions have not been confirmed by published functional studies and their clinical significance is uncertain. This variant has not been reported in the literature in individuals with GPHN-related conditions. This variant is not present in population databases (ExAC no frequency). This sequence change replaces isoleucine with phenylalanine at codon 266 of the GPHN protein (p.Ile266Phe). The isoleucine residue is weakly conserved and there is a small physicochemical difference between isoleucine and phenylalanine.